The following is an entry in ClinVar:

NM_014727.3(KMT2B):c.2337C>T (p.Gly779=)

Gene: KMT2B (lysine methyltransferase 2B; plus strand). Cytogenetic location: 19q13.12.
Variant type: single nucleotide variant.
Coding change: c.2337C>T on transcript NM_014727.3 (MANE Select); coding-DNA position 2337, C replaced by T.
Protein change: p.Gly779=; no amino-acid change (glycine 779 retained).
Molecular consequence: synonymous variant.
Genome position (GRCh38, 1-based): chr19:35,721,684, C>T. VCF-style: chr19-35721684-C-T. GRCh37 (hg19) VCF-style: chr19-36212586-C-T.
Other names: c.2337C>T (NM_014727.2).
Identifiers: ClinVar variation 2145650 (VCV002145650.30), dbSNP rs376705547, ClinGen allele CA9384414.

ClinVar aggregate classification (germline): Benign/Likely benign. Review status: criteria provided, multiple submitters, no conflicts (2 of 4 stars). 4 submissions from 4 submitters: Benign (1); Likely benign (2). 1 of the submissions does not count toward it. Last evaluated 2025-12-02.

Conditions:
KMT2B-related disorder. Also called: KMT2B-related disorders; KMT2B-related condition. Identifiers: MedGen CN381338.

Allele frequency attached by ClinVar (database versions not stated): ESP Exome Variant Server 0.00024; ExAC 0.00027; gnomAD 0.00010; TOPMed 0.00010.
gnomAD v4.1: 180 of 1,611,176 alleles (0.011%); highest among the groups gnomAD compares: South Asian, 0.1%; 1 homozygote.

Submissions (4):

Labcorp Genetics (formerly Invitae), Labcorp
Classification: Benign. Last evaluated: 2025-12-02. Review status: criteria provided, single submitter. Criteria: Invitae Variant Classification Sherloc (09022015). Collection method: clinical testing. Allele origin: germline.

Blueprint Genetics
Classification: Likely benign. Last evaluated: 2024-11-25. Review status: criteria provided, single submitter. Criteria: ACMG Guidelines, 2015. Collection method: clinical testing. Allele origin: germline.

CeGaT Center for Human Genetics Tuebingen
Classification: Likely benign. Last evaluated: 2024-07-01. Review status: criteria provided, single submitter. Criteria: CeGaT Center For Human Genetics Tuebingen Variant Classification Criteria Version 2. Collection method: clinical testing. Allele origin: germline. Affected: yes. Observed: 3 variant alleles.
Comment: KMT2B: BP4, BP7

PreventionGenetics, part of Exact Sciences
Classification: Likely benign for KMT2B-related condition. Last evaluated: 2022-12-29. Review status: no assertion criteria provided. Collection method: clinical testing. Allele origin: germline. Not counted in ClinVar's aggregate classification.
Comment: This variant is classified as likely benign based on ACMG/AMP sequence variant interpretation guidelines (Richards et al. 2015 PMID: 25741868, with internal and published modifications).